The following is an entry in ClinVar:

NM_000263.4(NAGLU):c.223G>C (p.Val75Leu)

Genes: NAGLU (N-acetyl-alpha-glucosaminidase; plus strand), LOC130060903 (ATAC-STARR-seq lymphoblastoid silent region 8533; plus strand). Cytogenetic location: 17q21.2.
Variant type: single nucleotide variant.
Coding change: c.223G>C on transcript NM_000263.4 (MANE Select); coding-DNA position 223, G replaced by C.
Protein change: p.Val75Leu; replaces valine 75 with leucine.
Molecular consequence: missense variant.
Genome position (GRCh38, 1-based): chr17:42,536,495, G>C. VCF-style: chr17-42536495-G-C. GRCh37 (hg19) VCF-style: chr17-40688513-G-C.
Other names: short protein forms V75L.
Identifiers: ClinVar variation 1060579 (VCV001060579.6), dbSNP rs1460838744, ClinGen allele CA399595707.
Genomic context (GRCh38, chr17:42,536,495, plus strand): 5'-GCTCTGGCTGCCAAGCCGGGCTTGGACACCTACAGCCTGGGCGGCGGCGGCGCGGCGCGC[G>C]TGCGGGTGCGCGGCTCCACGGGCGTGGCGGCCGCCGCGGGGCTGCACCGCTACCTGCGCG-3'
Protein context (NP_000254.2, residues 65-85): YSLGGGGAAR[Val75Leu]RVRGSTGVAA

ClinVar aggregate classification (germline): Uncertain significance. Review status: criteria provided, multiple submitters, no conflicts (2 of 4 stars). 3 submissions from 3 submitters: Uncertain significance (2). 1 of the submissions does not count toward it. Last evaluated 2024-07-02.

Conditions:
Mucopolysaccharidosis, MPS-III-B (MPS3B). Also called: MPS IIIB (Sanfilippo Syndrome Type B); MUCOPOLYSACCHARIDOSIS, TYPE IIIB; Mucopolysaccharidosis type IIIB (Sanfilippo B); N-ACETYL-ALPHA-D-GLUCOSAMINIDASE DEFICIENCY; NAGLU DEFICIENCY; SANFILIPPO SYNDROME B. Identifiers: Orphanet 79270, MedGen C0086648, MONDO:0009656, OMIM 252920.
Charcot-Marie-Tooth disease axonal type 2V. Also called: CHARCOT-MARIE-TOOTH NEUROPATHY, TYPE 2V; CHARCOT-MARIE-TOOTH DISEASE, AXONAL, AUTOSOMAL DOMINANT, TYPE 2V. Identifiers: Orphanet 447964, MedGen C5569050, MONDO:0014665, OMIM 616491.

Allele frequency attached by ClinVar (database versions not stated): TOPMed 0.00001.
gnomAD v4.1: 35 of 1,230,510 alleles (0.0028%); highest among the groups gnomAD compares: Non-Finnish European, 0.0033%; no homozygotes.

Submissions (3):

Blueprint Genetics
Classification: Uncertain significance. Last evaluated: 2024-07-02. Review status: criteria provided, single submitter. Criteria: ACMG Guidelines, 2015. Collection method: clinical testing. Allele origin: germline.

Labcorp Genetics (formerly Invitae), Labcorp
Classification: Uncertain significance for Charcot-Marie-Tooth disease axonal type 2V; Mucopolysaccharidosis, MPS-III-B. Last evaluated: 2021-10-03. Review status: criteria provided, single submitter. Criteria: Invitae Variant Classification Sherloc (09022015). Collection method: clinical testing. Allele origin: germline.
Comment: This sequence change replaces valine with leucine at codon 75 of the NAGLU protein (p.Val75Leu). The valine residue is moderately conserved and there is a small physicochemical difference between valine and leucine. The frequency data for this variant in the population databases is considered unreliable, as metrics indicate insufficient coverage at this position in the ExAC database. This variant has not been reported in the literature in individuals affected with NAGLU-related conditions. Algorithms developed to predict the effect of missense changes on protein structure and function are either unavailable or do not agree on the potential impact of this missense change (SIFT: "Tolerated"; PolyPhen-2: "Possibly Damaging"; Align-GVGD: "Class C0"). In summary, the available evidence is currently insufficient to determine the role of this variant in disease. Therefore, it has been classified as a Variant of Uncertain Significance.

Natera, Inc.
Classification: Uncertain significance for Mucopolysaccharidosis type IIIB. Last evaluated: 2020-03-10. Review status: no assertion criteria provided. Collection method: clinical testing. Allele origin: germline. Not counted in ClinVar's aggregate classification.